The following is an entry in ClinVar:

NM_004006.3(DMD):c.5690A>G (p.Glu1897Gly)

Gene: DMD (dystrophin; minus strand). Cytogenetic location: Xp21.1.
Variant type: single nucleotide variant.
Coding change: c.5690A>G on transcript NM_004006.3 (MANE Select); coding-DNA position 5690, A replaced by G.
Protein change: p.Glu1897Gly; replaces glutamic acid 1897 with glycine.
Molecular consequence: missense variant.
Genome position (GRCh38, 1-based): chrX:32,343,183, T>C on the plus strand (A>G on the coding strand, the complement: DMD is on the minus strand). VCF-style: chrX-32343183-T-C. GRCh37 (hg19) VCF-style: chrX-32361300-T-C.
Other names: c.5666A>G, p.Glu1889Gly (NM_000109.4); c.5678A>G, p.Glu1893Gly (NM_004009.3); c.5321A>G, p.Glu1774Gly (NM_004010.3); c.1667A>G, p.Glu556Gly (NM_004011.4); c.1658A>G, p.Glu553Gly (NM_004012.4); short protein forms E1774G, E1889G, E1893G, E1897G, E553G, E556G.
Identifiers: ClinVar variation 3895367 (VCV003895367.1).

ClinVar aggregate classification (germline): Uncertain significance (1 of 4 stars; one submission).

Conditions:
Cardiovascular phenotype. Identifiers: MedGen CN230736.

Submission:

Molecular Diagnostic Laboratory for Inherited Cardiovascular Disease, Montreal Heart Institute
Classification: Uncertain significance for Cardiovascular phenotype. Last evaluated: 2025-04-09. Review status: criteria provided, single submitter. Criteria: ACMG Guidelines, 2015. Collection method: clinical testing. Allele origin: germline. Affected: yes.
Comment: PM2, BP1